The following is an entry in ClinVar:

NM_000051.4(ATM):c.1402A>G (p.Lys468Glu)

Gene: ATM (ATM serine/threonine kinase; plus strand). Cytogenetic location: 11q22.3.
Variant type: single nucleotide variant.
Coding change: c.1402A>G on transcript NM_000051.4 (MANE Select); coding-DNA position 1402, A replaced by G.
Protein change: p.Lys468Glu; replaces lysine 468 with glutamic acid.
Molecular consequence: missense variant.
Genome position (GRCh38, 1-based): chr11:108,250,867, A>G. VCF-style: chr11-108250867-A-G. GRCh37 (hg19) VCF-style: chr11-108121594-A-G.
Other names: c.1402A>G, p.Lys468Glu (NM_001351834.2); short protein forms K468E.
Identifiers: ClinVar variation 234054 (VCV000234054.13), dbSNP rs876660820, ClinGen allele CA10579009.

ClinVar aggregate classification (germline): Uncertain significance. Review status: criteria provided, multiple submitters, no conflicts (2 of 4 stars). 3 submissions from 3 submitters: Uncertain significance (3). Last evaluated 2025-12-21.

Conditions:
Hereditary cancer-predisposing syndrome. Also called: Tumor predisposition; Hereditary Cancer Syndrome; Hereditary neoplastic syndrome; Neoplastic Syndromes, Hereditary. Identifiers: Orphanet 140162, MedGen C0027672, MeSH D009386, MONDO:0015356.
Ataxia-telangiectasia syndrome (AT). Also called: Ataxia telangiectasia (A-T); LOUIS-BAR SYNDROME; Cerebello-oculocutaneous telangiectasia; Immunodeficiency with ataxia telangiectasia; ATAXIA-TELANGIECTASIA, COMPLEMENTATION GROUP A; ATAXIA-TELANGIECTASIA, FRESNO VARIANT. Identifiers: Orphanet 100, MedGen C0004135, MONDO:0008840, OMIM 208900.

Submissions (3):

Labcorp Genetics (formerly Invitae), Labcorp
Classification: Uncertain significance for Ataxia-telangiectasia syndrome. Last evaluated: 2025-12-21. Review status: criteria provided, single submitter. Criteria: Invitae Variant Classification Sherloc (09022015). Collection method: clinical testing. Allele origin: germline.
Comment: This sequence change replaces lysine, which is basic and polar, with glutamic acid, which is acidic and polar, at codon 468 of the ATM protein (p.Lys468Glu). This variant is not present in population databases (gnomAD no frequency). This variant has not been reported in the literature in individuals affected with ATM-related conditions. ClinVar contains an entry for this variant (Variation ID: 234054). Invitae Evidence Modeling of protein sequence and biophysical properties (such as structural, functional, and spatial information, amino acid conservation, physicochemical variation, residue mobility, and thermodynamic stability) indicates that this missense variant is not expected to disrupt ATM protein function with a negative predictive value of 95%. In summary, the available evidence is currently insufficient to determine the role of this variant in disease. Therefore, it has been classified as a Variant of Uncertain Significance.

Color Diagnostics, LLC DBA Color Health
Classification: Uncertain significance for Hereditary cancer-predisposing syndrome. Last evaluated: 2024-03-06. Review status: criteria provided, single submitter. Criteria: ACMG Guidelines, 2015. Collection method: clinical testing. Allele origin: germline.
Comment: This missense variant replaces lysine with glutamic acid at codon 468 of the ATM protein. Computational prediction suggests that this variant may not impact protein structure and function (internally defined REVEL score threshold <= 0.5, PMID: 27666373). To our knowledge, functional studies have not been reported for this variant. This variant has not been reported in individuals affected with hereditary cancer in the literature. This variant has not been identified in the general population by the Genome Aggregation Database (gnomAD). The available evidence is insufficient to determine the role of this variant in disease conclusively. Therefore, this variant is classified as a Variant of Uncertain Significance.

Ambry Genetics
Classification: Uncertain significance for Hereditary cancer-predisposing syndrome. Last evaluated: 2023-06-24. Review status: criteria provided, single submitter. Criteria: Ambry Variant Classification Scheme 2023. Collection method: clinical testing. Allele origin: germline.
Comment: The p.K468E variant (also known as c.1402A>G), located in coding exon 9 of the ATM gene, results from an A to G substitution at nucleotide position 1402. The lysine at codon 468 is replaced by glutamic acid, an amino acid with similar properties. This amino acid position is not well conserved in available vertebrate species. In addition, this alteration is predicted to be tolerated by in silico analysis. Since supporting evidence is limited at this time, the clinical significance of this alteration remains unclear.